The following is an entry in ClinVar:

NM_000018.4(ACADVL):c.748A>G (p.Ile250Val)

Gene: ACADVL (acyl-CoA dehydrogenase very long chain; plus strand). Cytogenetic location: 17p13.1.
Variant type: single nucleotide variant.
Coding change: c.748A>G on transcript NM_000018.4 (MANE Select); coding-DNA position 748, A replaced by G.
Protein change: p.Ile250Val; replaces isoleucine 250 with valine.
Molecular consequence: missense variant.
Genome position (GRCh38, 1-based): chr17:7,222,077, A>G. VCF-style: chr17-7222077-A-G. GRCh37 (hg19) VCF-style: chr17-7125396-A-G.
Other names: c.682A>G, p.Ile228Val (NM_001033859.3); c.817A>G, p.Ile273Val (NM_001270447.2); c.520A>G, p.Ile174Val (NM_001270448.2); short protein forms I250V, I174V, I228V, I273V.
Identifiers: ClinVar variation 2802257 (VCV002802257.4), dbSNP rs2508300378, ClinGen allele CA397723596.
Genomic context (GRCh38, chr17:7,222,077, plus strand): 5'-ACCTCTGCTGTGCCCAGCCCCTGTGGAAAATACTATACCCTCAATGGAAGCAAGCTTTGG[A>G]TCAGGCAACCTGCCTCCCATTTCTCCCCTTCTCCTCCGCCCAATTCCAGGCCCCACTGCT-3'
Protein context (NP_000009.1, residues 240-260): YYTLNGSKLW[Ile250Val]SNGGLADIFT

ClinVar aggregate classification (germline): Uncertain significance. Review status: criteria provided, multiple submitters, no conflicts (2 of 4 stars). 2 submissions from 2 submitters: Uncertain significance (2). Last evaluated 2025-02-12.

Conditions:
Very long chain acyl-CoA dehydrogenase deficiency (ACADVLD). Also called: Very Long-Chain Acyl-Coenzyme A Dehydrogenase Deficiency; VLCAD Deficiency. Identifiers: Orphanet 26793, MedGen C3887523, MONDO:0008723, OMIM 201475.

gnomAD v4.1: 1 of 1,614,126 alleles (0.000062%); highest among the groups gnomAD compares: Non-Finnish European, 0.000085%; no homozygotes.

Submissions (2):

ARUP Laboratories, Molecular Genetics and Genomics, ARUP Laboratories
Classification: Uncertain significance for Very long chain acyl-CoA dehydrogenase deficiency. Last evaluated: 2025-02-12. Review status: criteria provided, single submitter. Criteria: ARUP Molecular Germline Variant Investigation Process 2024. Collection method: clinical testing. Allele origin: germline.
Comment: The ACADVL c.748A>G; p.Ile250Val variant, to our knowledge, is not reported in the medical literature but is reported in ClinVar (Variation ID: 2802257). This variant is absent from the Genome Aggregation Database (v2.1.1), indicating it is not a common polymorphism. Computational analyses predict that this variant is deleterious (REVEL: 0.81). However, given the lack of clinical and functional data, the significance of this variant is uncertain at this time.

Labcorp Genetics (formerly Invitae), Labcorp
Classification: Uncertain significance for Very long chain acyl-CoA dehydrogenase deficiency. Last evaluated: 2023-11-17. Review status: criteria provided, single submitter. Criteria: Invitae Variant Classification Sherloc (09022015). Collection method: clinical testing. Allele origin: germline.
Comment: This sequence change replaces isoleucine, which is neutral and non-polar, with valine, which is neutral and non-polar, at codon 250 of the ACADVL protein (p.Ile250Val). This variant is not present in population databases (gnomAD no frequency). This variant has not been reported in the literature in individuals affected with ACADVL-related conditions. Advanced modeling of protein sequence and biophysical properties (such as structural, functional, and spatial information, amino acid conservation, physicochemical variation, residue mobility, and thermodynamic stability) performed at Invitae indicates that this missense variant is expected to disrupt ACADVL protein function with a positive predictive value of 95%. Algorithms developed to predict the effect of sequence changes on RNA splicing suggest that this variant may disrupt the consensus splice site. In summary, the available evidence is currently insufficient to determine the role of this variant in disease. Therefore, it has been classified as a Variant of Uncertain Significance.